The following is an entry in ClinVar:

ClinVar aggregate classification (germline): Pathogenic (1 of 4 stars; one submission).

Submission:

Labcorp Genetics (formerly Invitae), Labcorp
Classification: Pathogenic. Last evaluated: 2025-09-22. Review status: criteria provided, single submitter. Criteria: Invitae Variant Classification Sherloc (09022015). Collection method: clinical testing. Allele origin: germline.
Comment: This sequence change creates a premature translational stop signal (p.Cys1731Trpfs*17) in the TECTA gene. It is expected to result in an absent or disrupted protein product. Loss-of-function variants in TECTA are known to be pathogenic (PMID: 11087000, 12746400, 17431902, 24130743). This variant is not present in population databases (gnomAD no frequency). This variant has not been reported in the literature in individuals affected with TECTA-related conditions. For these reasons, this variant has been classified as Pathogenic.

Literature cited by the submitters: PubMed 11087000; PubMed 12746400; PubMed 17431902; PubMed 24130743.

NM_005422.4(TECTA):c.5193_5194del (p.Cys1731fs)

Genes: TBCEL-TECTA (TBCEL-TECTA readthrough; plus strand), TECTA (tectorin alpha; plus strand). Cytogenetic location: 11q23.3.
Variant type: Deletion.
Coding change: c.5193_5194del on transcript NM_005422.4 (MANE Select); coding-DNA positions 5193 to 5194, 2 bases deleted (CG; older notation c.5193_5194delCG).
Protein change: p.Cys1731fs; shifts the reading frame from cysteine 1731.
Molecular consequence: frameshift variant.
Genome position (GRCh38, 1-based): chr11:121,162,291-121,162,292, CG deleted; deleting any 2 consecutive bases within chr11:121,162,290-121,162,292 gives the same sequence; the c. name uses the placement nearest the transcript's 3' end. VCF-style (leftmost placement, unchanged base first): chr11-121162289-TGC-T. GRCh37 (hg19) VCF-style: chr11-121032998-TGC-T.
Other names: c.6135_6136del, p.Cys2045fs (NM_001378761.1); short protein forms C1731fs, C2045fs.
Identifiers: ClinVar variation 4727591 (VCV004727591.1).